The following is an entry in ClinVar:

NM_001035.3(RYR2):c.9255C>G (p.Asn3085Lys)

Gene: RYR2 (ryanodine receptor 2; plus strand). Cytogenetic location: 1q43.
Variant type: single nucleotide variant.
Coding change: c.9255C>G on transcript NM_001035.3 (MANE Select); coding-DNA position 9255, C replaced by G.
Protein change: p.Asn3085Lys; replaces asparagine 3085 with lysine.
Molecular consequence: missense variant.
Genome position (GRCh38, 1-based): chr1:237,700,355, C>G. VCF-style: chr1-237700355-C-G. GRCh37 (hg19) VCF-style: chr1-237863655-C-G.
Other names: short protein forms N3085K.
Identifiers: ClinVar variation 3633815 (VCV003633815.2).
Genomic context (GRCh38, chr1:237,700,355, plus strand): 5'-AGAGGATCTGGAGAAGACCATGGAAAACCTCAAGCAGGGCCAGTTCACTCACACCCGAAA[C>G]CAGCCCAAAGGGGTTACTCAGATTATCAATTACACCACAGTGGCCCTGCTGCCAATGCTG-3'
Protein context (NP_001026.2, residues 3075-3095): LKQGQFTHTR[Asn3085Lys]QPKGVTQIIN

ClinVar aggregate classification (germline): Uncertain significance (1 of 4 stars; one submission).

Conditions:
Catecholaminergic polymorphic ventricular tachycardia 1. Also called: VENTRICULAR TACHYCARDIA, CATECHOLAMINERGIC POLYMORPHIC, 1, WITH OR WITHOUT ATRIAL DYSFUNCTION AND/OR DILATED CARDIOMYOPATHY; RYR2-Related Catecholaminergic Polymorphic Ventricular Tachycardia; VENTRICULAR TACHYCARDIA, STRESS-INDUCED POLYMORPHIC 1. Identifiers: Orphanet 3286, MedGen C1631597, MONDO:0011484, OMIM 604772.

gnomAD v4.1: 2 of 1,604,762 alleles (0.00012%); highest among the groups gnomAD compares: South Asian, 0.0022%; no homozygotes.

Submission:

Labcorp Genetics (formerly Invitae), Labcorp
Classification: Uncertain significance for Catecholaminergic polymorphic ventricular tachycardia 1. Last evaluated: 2024-05-14. Review status: criteria provided, single submitter. Criteria: Invitae Variant Classification Sherloc (09022015). Collection method: clinical testing. Allele origin: germline.
Comment: This sequence change replaces asparagine, which is neutral and polar, with lysine, which is basic and polar, at codon 3085 of the RYR2 protein (p.Asn3085Lys). This variant is not present in population databases (gnomAD no frequency). This variant has not been reported in the literature in individuals affected with RYR2-related conditions. Advanced modeling of protein sequence and biophysical properties (such as structural, functional, and spatial information, amino acid conservation, physicochemical variation, residue mobility, and thermodynamic stability) performed at Invitae indicates that this missense variant is not expected to disrupt RYR2 protein function with a negative predictive value of 95%. In summary, the available evidence is currently insufficient to determine the role of this variant in disease. Therefore, it has been classified as a Variant of Uncertain Significance.